The following is an entry in ClinVar:

ClinVar aggregate classification (germline): Uncertain significance. Review status: criteria provided, multiple submitters, no conflicts (2 of 4 stars). 3 submissions from 3 submitters: Uncertain significance (3). Last evaluated 2025-04-12.

Conditions:
Inborn genetic diseases. Identifiers: MedGen C0950123, MeSH D030342.

Allele frequency attached by ClinVar (database versions not stated): gnomAD exomes 0.00002 and 0.00004; ExAC 0.00006; ESP Exome Variant Server 0.00016; gnomAD 0.00017 and 0.00019; TOPMed 0.00031.

Submissions (3):

Ambry Genetics
Classification: Uncertain significance for Inborn genetic diseases. Last evaluated: 2025-04-12. Review status: criteria provided, single submitter. Criteria: Ambry Variant Classification Scheme 2023. Collection method: clinical testing. Allele origin: germline.

Labcorp Genetics (formerly Invitae), Labcorp
Classification: Uncertain significance. Last evaluated: 2024-10-24. Review status: criteria provided, single submitter. Criteria: Invitae Variant Classification Sherloc (09022015). Collection method: clinical testing. Allele origin: germline.
Comment: This sequence change replaces glycine, which is neutral and non-polar, with arginine, which is basic and polar, at codon 1795 of the GPR179 protein (p.Gly1795Arg). This variant is present in population databases (rs370953076, gnomAD 0.08%). This variant has not been reported in the literature in individuals affected with GPR179-related conditions. ClinVar contains an entry for this variant (Variation ID: 1408764). An algorithm developed to predict the effect of missense changes on protein structure and function (PolyPhen-2) suggests that this variant is likely to be disruptive. In summary, the available evidence is currently insufficient to determine the role of this variant in disease. Therefore, it has been classified as a Variant of Uncertain Significance.

Blueprint Genetics
Classification: Uncertain significance. Last evaluated: 2024-03-01. Review status: criteria provided, single submitter. Criteria: ACMG Guidelines, 2015. Collection method: clinical testing. Allele origin: germline.

NM_001004334.4(GPR179):c.5383G>C (p.Gly1795Arg)

Gene: GPR179 (G protein-coupled receptor 179; minus strand). Cytogenetic location: 17q12.
Variant type: single nucleotide variant.
Coding change: c.5383G>C on transcript NM_001004334.4 (MANE Select); coding-DNA position 5383, G replaced by C.
Protein change: p.Gly1795Arg; replaces glycine 1795 with arginine.
Molecular consequence: missense variant.
Genome position (GRCh38, 1-based): chr17:38,328,186, C>G on the plus strand (G>C on the coding strand, the complement: GPR179 is on the minus strand). VCF-style: chr17-38328186-C-G. GRCh37 (hg19) VCF-style: chr17-36484069-C-G.
Other names: c.5383G>C (NM_001004334.2); short protein forms G1795R.
Identifiers: ClinVar variation 1408764 (VCV001408764.10), dbSNP rs370953076, ClinGen allele CA290103597.